The following is an entry in ClinVar:

ClinVar aggregate classification (germline): Uncertain significance (1 of 4 stars; one submission).

Submission:

Labcorp Genetics (formerly Invitae), Labcorp
Classification: Uncertain significance. Last evaluated: 2023-05-01. Review status: criteria provided, single submitter. Criteria: Invitae Variant Classification Sherloc (09022015). Collection method: clinical testing. Allele origin: germline.
Comment: This variant, c.111_116dup, results in the insertion of 2 amino acid(s) of the SOX10 protein (p.Gly38_Gly39dup), but otherwise preserves the integrity of the reading frame. The frequency data for this variant in the population databases is considered unreliable, as metrics indicate poor data quality at this position in the gnomAD database. This variant has not been reported in the literature in individuals affected with SOX10-related conditions. In summary, the available evidence is currently insufficient to determine the role of this variant in disease. Therefore, it has been classified as a Variant of Uncertain Significance.

NM_006941.4(SOX10):c.102CGG[7] (p.Gly39_Ser40insGlyGly)

Genes: POLR2F (RNA polymerase II, I and III subunit F; plus strand), SOX10 (SRY-box transcription factor 10; minus strand). Cytogenetic location: 22q13.1.
Variant type: Microsatellite.
Coding change: c.102CGG[7] on transcript NM_006941.4 (MANE Select); seven copies in a row of the 3-base unit CGG starting at c.102; the reference has five copies in a row; two copies, 6 bases duplicated.
Protein change: p.Gly39_Ser40insGlyGly.
Molecular consequence: inframe insertion. On other transcripts: intron variant (3).
Genome position (GRCh38, 1-based): chr22:37,983,669-37,983,674, CCGCCG duplicated on the plus strand (CGGCGG on the coding strand, the reverse complement: SOX10 is on the minus strand); duplicating any 6 consecutive bases within chr22:37,983,669-37,983,683 gives the same sequence; the position shown is the placement nearest the transcript's 3' end. VCF-style (leftmost placement, unchanged base first): chr22-37983668-T-TCCGCCG. GRCh37 (hg19) VCF-style: chr22-38379675-T-TCCGCCG.
Other names: c.*38+11359CCG[7] (NM_001363825.1); c.294-2485CCG[7] (NM_001301130.2); c.293+16499CCG[7] (NM_001301131.2).
Identifiers: ClinVar variation 2722401 (VCV002722401.3), dbSNP rs759284353, ClinGen allele CA10228726.